The following is an entry in ClinVar:

NM_004252.5(NHERF1):c.319C>G (p.Arg107Gly)

Genes: NHERF1 (NHERF family PDZ scaffold protein 1; plus strand), SLC9A3R1-AS1 (SLC9A3R1 antisense RNA 1; minus strand). Cytogenetic location: 17q25.1.
Variant type: single nucleotide variant.
Coding change: c.319C>G on transcript NM_004252.5 (MANE Select); coding-DNA position 319, C replaced by G.
Protein change: p.Arg107Gly; replaces arginine 107 with glycine.
Molecular consequence: missense variant. On other transcripts: non-coding transcript variant (1).
Genome position (GRCh38, 1-based): chr17:74,749,165, C>G. VCF-style: chr17-74749165-C-G. GRCh37 (hg19) VCF-style: chr17-72745304-C-G.
Other names: short protein forms R107G.
Identifiers: ClinVar variation 2631133 (VCV002631133.1), dbSNP rs1357979063, ClinGen allele CA400936650.

ClinVar aggregate classification (germline): Uncertain significance (1 of 4 stars; one submission).

Conditions:
NHERF1-related disorder. Also called: NHERF1-related condition.

Allele frequency attached by ClinVar (database versions not stated): gnomAD exomes below 0.00001; gnomAD 0.00001.
gnomAD v4.1: 4 of 1,541,528 alleles (0.00026%); highest among the groups gnomAD compares: African/African-American, 0.0014%; no homozygotes.

Submission:

PreventionGenetics, part of Exact Sciences
Classification: Uncertain significance for NHERF1-related condition. Last evaluated: 2023-09-01. Review status: criteria provided, single submitter. Criteria: ACMG Guidelines, 2015. Collection method: clinical testing. Allele origin: germline.
Comment: The NHERF1 c.319C>G variant is predicted to result in the amino acid substitution p.Arg107Gly. To our knowledge, this variant has not been reported in the literature. This variant is reported in 0.012% of alleles in individuals of African descent in gnomAD (1 allele). At this time, the clinical significance of this variant is uncertain due to the absence of conclusive functional and genetic evidence.